The following is an entry in ClinVar:

ClinVar aggregate classification (germline): Uncertain significance (1 of 4 stars; one submission).

Conditions:
Hypertrophic cardiomyopathy. Also called: HYPERTROPHIC MYOCARDIOPATHY. Identifiers: Orphanet 217569, MedGen C0007194, MeSH D002312, MONDO:0005045, HP:0001639.

Allele frequency attached by ClinVar (database versions not stated): TOPMed below 0.00001.

Submission:

Labcorp Genetics (formerly Invitae), Labcorp
Classification: Uncertain significance for Hypertrophic cardiomyopathy. Last evaluated: 2024-01-27. Review status: criteria provided, single submitter. Criteria: Invitae Variant Classification Sherloc (09022015). Collection method: clinical testing. Allele origin: germline.
Comment: This sequence change replaces leucine, which is neutral and non-polar, with phenylalanine, which is neutral and non-polar, at codon 15 of the MYOM1 protein (p.Leu15Phe). This variant is not present in population databases (gnomAD no frequency). This variant has not been reported in the literature in individuals affected with MYOM1-related conditions. Algorithms developed to predict the effect of missense changes on protein structure and function output the following: SIFT: "Not Available"; PolyPhen-2: "Benign"; Align-GVGD: "Not Available". The phenylalanine amino acid residue is found in multiple mammalian species, which suggests that this missense change does not adversely affect protein function. In summary, the available evidence is currently insufficient to determine the role of this variant in disease. Therefore, it has been classified as a Variant of Uncertain Significance.

NM_003803.4(MYOM1):c.43C>T (p.Leu15Phe)

Gene: MYOM1 (myomesin 1; minus strand). Cytogenetic location: 18p11.31.
Variant type: single nucleotide variant.
Coding change: c.43C>T on transcript NM_003803.4 (MANE Select); coding-DNA position 43, C replaced by T.
Protein change: p.Leu15Phe; replaces leucine 15 with phenylalanine.
Molecular consequence: missense variant.
Genome position (GRCh38, 1-based): chr18:3,215,181, G>A on the plus strand (C>T on the coding strand, the complement: MYOM1 is on the minus strand). VCF-style: chr18-3215181-G-A. GRCh37 (hg19) VCF-style: chr18-3215179-G-A.
Other names: c.43C>T, p.Leu15Phe (NM_019856.2); short protein forms L15F.
Identifiers: ClinVar variation 3016042 (VCV003016042.3), dbSNP rs1268967095, ClinGen allele CA401718404.